The following is an entry in ClinVar:

NM_003722.5(TP63):c.248A>T (p.Asp83Val)

Gene: TP63 (tumor protein p63; plus strand). Cytogenetic location: 3q28.
Variant type: single nucleotide variant.
Coding change: c.248A>T on transcript NM_003722.5 (MANE Select); coding-DNA position 248, A replaced by T.
Protein change: p.Asp83Val; replaces aspartic acid 83 with valine.
Molecular consequence: missense variant.
Genome position (GRCh38, 1-based): chr3:189,738,698, A>T. VCF-style: chr3-189738698-A-T. GRCh37 (hg19) VCF-style: chr3-189456487-A-T.
Other names: c.248A>T, p.Asp83Val (NM_001114978.2, NM_001114979.2, NM_001329144.2 and 1 more transcripts); c.242A>T, p.Asp81Val (NM_001329964.2); short protein forms D81V, D83V.
Identifiers: ClinVar variation 2904475 (VCV002904475.2), dbSNP rs761960474, ClinGen allele CA2752062.

ClinVar aggregate classification (germline): Uncertain significance (1 of 4 stars; one submission).

Conditions:
TP63-Related Spectrum Disorders.

Allele frequency attached by ClinVar (database versions not stated): ExAC 0.00001; gnomAD exomes 0.00001; gnomAD 0.00003; TOPMed 0.00005.
gnomAD v4.1: 8 of 1,614,044 alleles (0.0005%); highest among the groups gnomAD compares: African/African-American, 0.008%; no homozygotes.

Submission:

Labcorp Genetics (formerly Invitae), Labcorp
Classification: Uncertain significance. Last evaluated: 2023-08-03. Review status: criteria provided, single submitter. Criteria: Invitae Variant Classification Sherloc (09022015). Collection method: clinical testing. Allele origin: germline.
Comment: This variant is present in population databases (rs761960474, gnomAD 0.008%). This variant has not been reported in the literature in individuals affected with TP63-related conditions. Advanced modeling of protein sequence and biophysical properties (such as structural, functional, and spatial information, amino acid conservation, physicochemical variation, residue mobility, and thermodynamic stability) has been performed at Invitae for this missense variant, however the output from this modeling did not meet the statistical confidence thresholds required to predict the impact of this variant on TP63 protein function. In summary, the available evidence is currently insufficient to determine the role of this variant in disease. Therefore, it has been classified as a Variant of Uncertain Significance. This sequence change replaces aspartic acid, which is acidic and polar, with valine, which is neutral and non-polar, at codon 83 of the TP63 protein (p.Asp83Val).